The following is an entry in ClinVar:

NM_000135.4(FANCA):c.*2G>A

Genes: FANCA (FA complementation group A; minus strand), ZNF276 (zinc finger protein 276; plus strand). Cytogenetic location: 16q24.3.
Variant type: single nucleotide variant.
Coding change: c.*2G>A on transcript NM_000135.4 (MANE Select); 2 bases downstream of the stop codon, G replaced by A.
Molecular consequence: 3 prime UTR variant. On other transcripts: non-coding transcript variant (4).
Genome position (GRCh38, 1-based): chr16:89,738,599, C>T on the plus strand (G>A on the coding strand, the complement: FANCA is on the minus strand). VCF-style: chr16-89738599-C-T. GRCh37 (hg19) VCF-style: chr16-89805007-C-T.
Other names: c.*99G>A (NM_001286167.3); c.*353C>T (NM_001113525.2, NM_152287.4).
Identifiers: ClinVar variation 3572414 (VCV003572414.2).

ClinVar aggregate classification (germline): Uncertain significance (1 of 4 stars; one submission).

gnomAD v4.1: 22 of 1,613,020 alleles (0.0014%); highest among the groups gnomAD compares: African/African-American, 0.012%; no homozygotes.

Submission:

Quest Diagnostics Nichols Institute San Juan Capistrano
Classification: Uncertain significance. Last evaluated: 2025-03-01. Review status: criteria provided, single submitter. Criteria: Quest Diagnostics criteria. Collection method: clinical testing. Allele origin: unknown.
Comment: The FANCA c.*2G>A variant has not been reported in individuals with FANCA-related conditions in the published literature. The frequency of this variant in the general population (Genome Aggregation Database) is uninformative in the assessment of its pathogenicity. Analysis of this variant using software algorithms for the prediction of the effect of nucleotide changes on FANCA mRNA splicing yielded predictions that this variant may result in the gain of a cryptic splice site without affecting the natural splice sites. Based on the available information, we are unable to determine the clinical significance of this variant.